The following is an entry in ClinVar:

ClinVar aggregate classification (germline): Uncertain significance. Review status: criteria provided, multiple submitters, no conflicts (2 of 4 stars). 2 submissions from 2 submitters: Uncertain significance (2). Last evaluated 2025-05-25.

Conditions:
Inborn genetic diseases. Identifiers: MedGen C0950123, MeSH D030342.

Allele frequency attached by ClinVar (database versions not stated): gnomAD 0.00001; gnomAD exomes 0.00002; TOPMed 0.00002; ESP Exome Variant Server 0.00008; ExAC 0.00002.
gnomAD v4.1: 36 of 1,614,090 alleles (0.0022%); highest among the groups gnomAD compares: Non-Finnish European, 0.003%; no homozygotes.

Submissions (2):

Ambry Genetics
Classification: Uncertain significance for Inborn genetic diseases. Last evaluated: 2025-05-25. Review status: criteria provided, single submitter. Criteria: Ambry Variant Classification Scheme 2023. Collection method: clinical testing. Allele origin: germline.

Labcorp Genetics (formerly Invitae), Labcorp
Classification: Uncertain significance. Last evaluated: 2023-07-10. Review status: criteria provided, single submitter. Criteria: Invitae Variant Classification Sherloc (09022015). Collection method: clinical testing. Allele origin: germline.
Comment: This variant is present in population databases (rs199964803, gnomAD 0.004%). This sequence change replaces glutamic acid, which is acidic and polar, with glycine, which is neutral and non-polar, at codon 1303 of the ARFGEF2 protein (p.Glu1303Gly). This variant has not been reported in the literature in individuals affected with ARFGEF2-related conditions. ClinVar contains an entry for this variant (Variation ID: 1898237). An algorithm developed to predict the effect of missense changes on protein structure and function (PolyPhen-2) suggests that this variant¬†is likely to be tolerated. In summary, the available evidence is currently insufficient to determine the role of this variant in disease. Therefore, it has been classified as a Variant of Uncertain Significance.

NM_006420.3(ARFGEF2):c.3908A>G (p.Glu1303Gly)

Gene: ARFGEF2 (ARF guanine nucleotide exchange factor 2; plus strand). Cytogenetic location: 20q13.13.
Variant type: single nucleotide variant.
Coding change: c.3908A>G on transcript NM_006420.3 (MANE Select); coding-DNA position 3908, A replaced by G.
Protein change: p.Glu1303Gly; replaces glutamic acid 1303 with glycine.
Molecular consequence: missense variant.
Genome position (GRCh38, 1-based): chr20:49,012,074, A>G. VCF-style: chr20-49012074-A-G. GRCh37 (hg19) VCF-style: chr20-47628611-A-G.
Other names: c.3905A>G, p.Glu1302Gly (NM_001410846.1); c.3908A>G (NM_006420.2); short protein forms E1303G, E1302G.
Identifiers: ClinVar variation 1898237 (VCV001898237.4), dbSNP rs199964803, ClinGen allele CA9899070.